The following is an entry in ClinVar:

ClinVar aggregate classification (germline): Uncertain significance. Review status: criteria provided, multiple submitters, no conflicts (2 of 4 stars). 4 submissions from 4 submitters: Uncertain significance (4). Last evaluated 2025-08-07.

Conditions:
Hereditary cancer-predisposing syndrome. Also called: Hereditary neoplastic syndrome; Neoplastic Syndromes, Hereditary; Tumor predisposition; Hereditary Cancer Syndrome. Identifiers: Orphanet 140162, MedGen C0027672, MeSH D009386, MONDO:0015356.
Microcephaly, normal intelligence and immunodeficiency (NBS). Also called: IMMUNODEFICIENCY, MICROCEPHALY, AND CHROMOSOMAL INSTABILITY; SEEMANOVA SYNDROME II; Immunodeficiency, microcephaly with normal intelligence; Ataxia telangiectasia variant V1; Nijmegen breakage syndrome; Microcephaly with normal intelligence immunodeficiency and lymphoreticular malignancies. Identifiers: Orphanet 647, MedGen C0398791, MONDO:0009623, OMIM 251260.

Submissions (4):

Ambry Genetics
Classification: Uncertain significance for Hereditary cancer-predisposing syndrome. Last evaluated: 2025-08-07. Review status: criteria provided, single submitter. Criteria: Ambry Variant Classification Scheme 2023. Collection method: clinical testing. Allele origin: germline.
Comment: The p.D629Y variant (also known as c.1885G>T), located in coding exon 12 of the NBN gene, results from a G to T substitution at nucleotide position 1885. The aspartic acid at codon 629 is replaced by tyrosine, an amino acid with highly dissimilar properties. This amino acid position is conserved. In addition, this alteration is predicted to be tolerated by in silico analysis. Based on the available evidence, the clinical significance of this variant remains unclear.

Genome-Nilou Lab
Classification: Uncertain significance for Microcephaly, normal intelligence and immunodeficiency. Last evaluated: 2021-11-07. Review status: criteria provided, single submitter. Criteria: ACMG Guidelines, 2015. Collection method: clinical testing. Allele origin: germline. Affected: no.

GeneDx
Classification: Uncertain significance. Last evaluated: 2019-08-02. Review status: criteria provided, single submitter. Criteria: GeneDx Variant Classification Process June 2021. Collection method: clinical testing. Allele origin: germline. Affected: yes.
Comment: Not observed in large population cohorts (Lek et al., 2016); Has not been previously published as pathogenic or benign to our knowledge

Labcorp Genetics (formerly Invitae), Labcorp
Classification: Uncertain significance for Microcephaly, normal intelligence and immunodeficiency. Last evaluated: 2016-12-21. Review status: criteria provided, single submitter. Criteria: Invitae Variant Classification Sherloc (09022015). Collection method: clinical testing. Allele origin: germline.
Comment: This sequence change replaces aspartic acid with tyrosine at codon 629 of the NBN protein (p.Asp629Tyr). The aspartic acid residue is weakly conserved and there is a large physicochemical difference between aspartic acid and tyrosine. This variant is not present in population databases (ExAC no frequency) and has not been reported in the literature in individuals with an NBN-related disease. Algorithms developed to predict the effect of missense changes on protein structure and function do not agree on the potential impact of this missense change (SIFT: "Deleterious"; PolyPhen-2: "Benign"; Align-GVGD: "Class C0"). In summary, this variant is a novel missense change with uncertain impact on protein function. It has been classified as a Variant of Uncertain Significance.

NM_002485.5(NBN):c.1885G>T (p.Asp629Tyr)

Genes: NBN (nibrin; minus strand), LOC126860438 (MED14-independent group 3 enhancer GRCh37_chr8:90959982-90961181; plus strand). Cytogenetic location: 8q21.3.
Variant type: single nucleotide variant.
Coding change: c.1885G>T on transcript NM_002485.5 (MANE Select); coding-DNA position 1885, G replaced by T.
Protein change: p.Asp629Tyr; replaces aspartic acid 629 with tyrosine.
Molecular consequence: missense variant.
Genome position (GRCh38, 1-based): chr8:89,947,853, C>A on the plus strand (G>T on the coding strand, the complement: NBN is on the minus strand). VCF-style: chr8-89947853-C-A. GRCh37 (hg19) VCF-style: chr8-90960081-C-A.
Other names: c.1639G>T, p.Asp547Tyr (NM_001024688.3); short protein forms D629Y, D547Y.
Identifiers: ClinVar variation 411755 (VCV000411755.13), dbSNP rs745559078, ClinGen allele CA16612655.